The following is an entry in ClinVar:

NM_015294.6(TRIM37):c.326G>C (p.Cys109Ser)

Gene: TRIM37 (tripartite motif containing 37; minus strand). Cytogenetic location: 17q22.
Variant type: single nucleotide variant.
Coding change: c.326G>C on transcript NM_015294.6 (MANE Select); coding-DNA position 326, G replaced by C.
Protein change: p.Cys109Ser; replaces cysteine 109 with serine.
Molecular consequence: missense variant. On other transcripts: 5 prime UTR variant (2), non-coding transcript variant (2), intron variant (1).
Genome position (GRCh38, 1-based): chr17:59,084,045, C>G on the plus strand (G>C on the coding strand, the complement: TRIM37 is on the minus strand). VCF-style: chr17-59084045-C-G. GRCh37 (hg19) VCF-style: chr17-57161406-C-G.
Other names: c.326G>C, p.Cys109Ser (NM_001005207.5, NM_001320988.3, NM_001320989.3 and 2 more transcripts); c.224G>C, p.Cys75Ser (NM_001320987.3, NM_001353082.2); c.-41G>C (NM_001320990.3); c.-427G>C (NM_001353083.2); c.-93-2826G>C (NM_001353085.2); short protein forms C109S, C75S.
Identifiers: ClinVar variation 5245 (VCV000005245.4), dbSNP rs121908391, ClinGen allele CA117350.
Genomic context (GRCh38, chr17:59,084,045, plus strand): 5'-GAATTTGTTCTGCTCACCATTCCTCCCCAAAGTGCACACTGATGGCAGATACACTTCTTA[C>G]AAGTCCAGCAAAATACACTAAGTTTTTCATGGTGATTTTCACATCTATACATTATGAAAA-3'
Protein context (NP_056109.1, residues 99-119): HEKLSVFCWT[Cys109Ser]KKCICHQCAL

ClinVar aggregate classification (germline): Conflicting classifications of pathogenicity. Review status: criteria provided, conflicting classifications (1 of 4 stars). 3 submissions from 3 submitters: Likely pathogenic (1); Uncertain significance (1). 1 of the submissions does not count toward it. Last evaluated 2024-05-26.

Conditions:
Mulibrey nanism syndrome. Also called: MUSCLE-LIVER-BRAIN-EYE NANISM; PERHEENTUPA SYNDROME; PERICARDIAL CONSTRICTION AND GROWTH FAILURE. Identifiers: Orphanet 2576, MedGen C0524582, MONDO:0009664, OMIM 253250.

Allele frequency attached by ClinVar (database versions not stated): gnomAD exomes 0.00001.
gnomAD v4.1: 5 of 1,613,834 alleles (0.00031%); highest among the groups gnomAD compares: Non-Finnish European, 0.00042%; no homozygotes.

Submissions (3):

Fulgent Genetics
Classification: Likely pathogenic for Mulibrey nanism syndrome. Last evaluated: 2024-05-26. Review status: criteria provided, single submitter. Criteria: ACMG Guidelines, 2015. Collection method: clinical testing. Allele origin: germline.

Women's Health and Genetics/Laboratory Corporation of America, LabCorp
Classification: Uncertain significance. Last evaluated: 2024-05-24. Review status: criteria provided, single submitter. Criteria: LabCorp Variant Classification Summary - May 2015. Collection method: clinical testing. Allele origin: germline.
Comment: Variant summary: TRIM37 c.326G>C (p.Cys109Ser) results in a non-conservative amino acid change located in the B-box-type zinc finger domain (IPR000315) of the encoded protein sequence. Five of five in-silico tools predict a damaging effect of the variant on protein function. The variant was absent in 251212 control chromosomes. The available data on variant occurrences in the general population are insufficient to allow any conclusion about variant significance. c.326G>C has been reported in the literature in at least one compound heterozygous individual affected with Mulibrey nanism syndrome with Wilms tumor (e.g. Hamalainen_2006). These data do not provide sufficient evidence to allow any conclusion about variant significance. One publication reports experimental evidence evaluating an impact on protein function showing the variant results in altered subcellular localization in vitro, however, does not allow convincing conclusions about the variant effect (e.g. Hamalainen_2006). The following publications have been ascertained in the context of this evaluation (PMID: 17100991, 34687117). ClinVar contains an entry for this variant (Variation ID: 5245). Based on the evidence outlined above, the variant was classified as uncertain significance.

OMIM
Classification: Pathogenic for MULIBREY NANISM. Last evaluated: 2006-12-01. Review status: no assertion criteria provided. Collection method: literature only. Allele origin: germline. Not counted in ClinVar's aggregate classification.

Literature cited by the submitters: PubMed 34687117 (cited by Women's Health and Genetics/Laboratory Corporation of America, LabCorp); PubMed 17100991 (cited by Women's Health and Genetics/Laboratory Corporation of America, LabCorp and OMIM).